The following is an entry in ClinVar:

NM_001849.4(COL6A2):c.2434G>C (p.Val812Leu)

Gene: COL6A2 (collagen type VI alpha 2 chain; plus strand). Cytogenetic location: 21q22.3.
Variant type: single nucleotide variant.
Coding change: c.2434G>C on transcript NM_001849.4 (MANE Select); coding-DNA position 2434, G replaced by C.
Protein change: p.Val812Leu; replaces valine 812 with leucine.
Molecular consequence: missense variant.
Genome position (GRCh38, 1-based): chr21:46,126,514, G>C. VCF-style: chr21-46126514-G-C. GRCh37 (hg19) VCF-style: chr21-47546428-G-C.
Other names: c.2434G>C, p.Val812Leu (NM_058174.3, NM_058175.3); short protein forms V812L.
Identifiers: ClinVar variation 4744902 (VCV004744902.1).

ClinVar aggregate classification (germline): Uncertain significance (1 of 4 stars; one submission).

Conditions:
Bethlem myopathy 1A. Also called: MYOPATHY, BENIGN CONGENITAL, WITH CONTRACTURES; Bethlem myopathy 1; Bethlem Muscular Dystrophy. Identifiers: Orphanet 610, MedGen CN029274, MONDO:0024530, OMIM 158810.

gnomAD v4.1: 1 of 1,612,310 alleles (0.000062%); highest among the groups gnomAD compares: Non-Finnish European, 0.000085%; no homozygotes.

Submission:

Labcorp Genetics (formerly Invitae), Labcorp
Classification: Uncertain significance for Bethlem myopathy 1A. Last evaluated: 2026-01-11. Review status: criteria provided, single submitter. Criteria: Invitae Variant Classification Sherloc (09022015). Collection method: clinical testing. Allele origin: germline.
Comment: This sequence change replaces valine, which is neutral and non-polar, with leucine, which is neutral and non-polar, at codon 812 of the COL6A2 protein (p.Val812Leu). This variant is not present in population databases (gnomAD no frequency). This variant has not been reported in the literature in individuals affected with COL6A2-related conditions. Invitae Evidence Modeling of protein sequence and biophysical properties (such as structural, functional, and spatial information, amino acid conservation, physicochemical variation, residue mobility, and thermodynamic stability) indicates that this missense variant is not expected to disrupt COL6A2 protein function with a negative predictive value of 95%. In summary, the available evidence is currently insufficient to determine the role of this variant in disease. Therefore, it has been classified as a Variant of Uncertain Significance.